The following is an entry in ClinVar:

NM_000257.4(MYH7):c.5080del (p.Gln1694fs)

Genes: MHRT (myosin heavy chain associated RNA transcript; plus strand), MYH7 (myosin heavy chain 7; minus strand), LOC126861897 (BRD4-independent group 4 enhancer GRCh37_chr14:23884455-23885654; plus strand). Cytogenetic location: 14q11.2.
Variant type: Deletion.
Coding change: c.5080del on transcript NM_000257.4 (MANE Select); coding-DNA position 5080, one base deleted (C; older notation c.5080delC).
Protein change: p.Gln1694fs; shifts the reading frame from glutamine 1694.
Molecular consequence: frameshift variant. On other transcripts: non-coding transcript variant (1).
Genome position (GRCh38, 1-based): chr14:23,415,706, G deleted on the plus strand (C on the coding strand, the reverse complement: MYH7 is on the minus strand). VCF-style (leftmost placement, unchanged base first): chr14-23415705-TG-T. GRCh37 (hg19) VCF-style: chr14-23884914-TG-T.
Other names: c.5080delC, p.Gln1694Argfs (NM_001407004.1); short protein forms Q1694fs.
Identifiers: ClinVar variation 2102992 (VCV002102992.4), dbSNP rs2502242584, ClinGen allele CA2580087946.

ClinVar aggregate classification (germline): Uncertain significance (1 of 4 stars; one submission).

Conditions:
Hypertrophic cardiomyopathy. Also called: HYPERTROPHIC MYOCARDIOPATHY. Identifiers: Orphanet 217569, MedGen C0007194, MeSH D002312, MONDO:0005045, HP:0001639.

Submission:

Labcorp Genetics (formerly Invitae), Labcorp
Classification: Uncertain significance for Hypertrophic cardiomyopathy. Last evaluated: 2022-02-24. Review status: criteria provided, single submitter. Criteria: Invitae Variant Classification Sherloc (09022015). Collection method: clinical testing. Allele origin: germline.
Comment: In summary, the available evidence is currently insufficient to determine the role of this variant in disease. Therefore, it has been classified as a Variant of Uncertain Significance. This variant has not been reported in the literature in individuals affected with MYH7-related conditions. This variant is not present in population databases (gnomAD no frequency). This sequence change creates a premature translational stop signal (p.Gln1694Argfs*13) in the MYH7 gene. It is expected to result in an absent or disrupted protein product. However, the current clinical and genetic evidence is not sufficient to establish whether loss-of-function variants in MYH7 cause disease.